The following is an entry in ClinVar:

ClinVar aggregate classification (germline): Uncertain significance (1 of 4 stars; one submission).

Conditions:
RYR1-related disorder. Also called: RYR1-related condition; RYR1-related disorders. Identifiers: MedGen CN239331.

Allele frequency attached by ClinVar (database versions not stated): gnomAD 0.00001; TOPMed 0.00001; ESP Exome Variant Server 0.00008.
gnomAD v4.1: 1 of 1,613,086 alleles (0.000062%); highest among the groups gnomAD compares: African/African-American, 0.0013%; no homozygotes.

Submission:

Labcorp Genetics (formerly Invitae), Labcorp
Classification: Uncertain significance for RYR1-related disorder. Last evaluated: 2023-08-18. Review status: criteria provided, single submitter. Criteria: Invitae Variant Classification Sherloc (09022015). Collection method: clinical testing. Allele origin: germline.
Comment: In summary, the available evidence is currently insufficient to determine the role of this variant in disease. Therefore, it has been classified as a Variant of Uncertain Significance. Advanced modeling of protein sequence and biophysical properties (such as structural, functional, and spatial information, amino acid conservation, physicochemical variation, residue mobility, and thermodynamic stability) performed at Invitae indicates that this missense variant is not expected to disrupt RYR1 protein function. This sequence change replaces phenylalanine, which is neutral and non-polar, with leucine, which is neutral and non-polar, at codon 12 of the RYR1 protein (p.Phe12Leu). This variant is present in population databases (rs370115856, gnomAD 0.01%). This variant has not been reported in the literature in individuals affected with RYR1-related conditions.

NM_000540.3(RYR1):c.34T>C (p.Phe12Leu)

Gene: RYR1 (ryanodine receptor 1; plus strand). Cytogenetic location: 19q13.2.
Variant type: single nucleotide variant.
Coding change: c.34T>C on transcript NM_000540.3 (MANE Select); coding-DNA position 34, T replaced by C.
Protein change: p.Phe12Leu; replaces phenylalanine 12 with leucine.
Molecular consequence: missense variant.
Genome position (GRCh38, 1-based): chr19:38,433,863, T>C. VCF-style: chr19-38433863-T-C. GRCh37 (hg19) VCF-style: chr19-38924503-T-C.
Other names: c.34T>C, p.Phe12Leu (NM_001042723.2); short protein forms F12L.
Identifiers: ClinVar variation 2727322 (VCV002727322.3), dbSNP rs370115856, ClinGen allele CA308101671.